The following is an entry in ClinVar:

NM_006206.6(PDGFRA):c.763G>A (p.Gly255Ser)

Gene: PDGFRA (platelet derived growth factor receptor alpha; plus strand). Cytogenetic location: 4q12.
Variant type: single nucleotide variant.
Coding change: c.763G>A on transcript NM_006206.6 (MANE Select); coding-DNA position 763, G replaced by A.
Protein change: p.Gly255Ser; replaces glycine 255 with serine.
Molecular consequence: missense variant.
Genome position (GRCh38, 1-based): chr4:54,267,292, G>A. VCF-style: chr4-54267292-G-A. GRCh37 (hg19) VCF-style: chr4-55133459-G-A.
Other names: c.763G>A, p.Gly255Ser (NM_001347827.2, NM_001347829.2); c.838G>A, p.Gly280Ser (NM_001347828.2); c.802G>A, p.Gly268Ser (NM_001347830.2); short protein forms G255S, G268S, G280S.
Identifiers: ClinVar variation 528542 (VCV000528542.16), dbSNP rs1553903204, ClinGen allele CA356891056.

ClinVar aggregate classification (germline): Uncertain significance. Review status: criteria provided, multiple submitters, no conflicts (2 of 4 stars). 2 submissions from 2 submitters: Uncertain significance (2). Last evaluated 2025-02-16.

Conditions:
Hereditary cancer-predisposing syndrome. Also called: Tumor predisposition; Hereditary neoplastic syndrome; Hereditary Cancer Syndrome; Neoplastic Syndromes, Hereditary. Identifiers: Orphanet 140162, MedGen C0027672, MeSH D009386, MONDO:0015356.
Gastrointestinal stromal tumor. Also called: Gastrointestinal stroma tumor; Gastrointestinal stromal tumor, somatic. Identifiers: Orphanet 44890, MedGen C0238198, MeSH D046152, MONDO:0011719, OMIM 606764, HP:0100723.

Allele frequency attached by ClinVar (database versions not stated): gnomAD exomes below 0.00001.
gnomAD v4.1: 2 of 1,614,142 alleles (0.00012%); highest among the groups gnomAD compares: East Asian, 0.0022%; no homozygotes.

Submissions (2):

Ambry Genetics
Classification: Uncertain significance for Hereditary cancer-predisposing syndrome. Last evaluated: 2025-02-16. Review status: criteria provided, single submitter. Criteria: Ambry Variant Classification Scheme 2023. Collection method: clinical testing. Allele origin: germline.
Comment: The p.G255S variant (also known as c.763G>A), located in coding exon 5 of the PDGFRA gene, results from a G to A substitution at nucleotide position 763. The glycine at codon 255 is replaced by serine, an amino acid with similar properties. This amino acid position is poorly conserved in available vertebrate species. In addition, this alteration is predicted to be tolerated by in silico analysis. Since supporting evidence is limited at this time, the clinical significance of this alteration remains unclear.

Labcorp Genetics (formerly Invitae), Labcorp
Classification: Uncertain significance for Gastrointestinal stromal tumor. Last evaluated: 2024-12-14. Review status: criteria provided, single submitter. Criteria: Invitae Variant Classification Sherloc (09022015). Collection method: clinical testing. Allele origin: germline.
Comment: This sequence change replaces glycine, which is neutral and non-polar, with serine, which is neutral and polar, at codon 255 of the PDGFRA protein (p.Gly255Ser). This variant is not present in population databases (gnomAD no frequency). This variant has not been reported in the literature in individuals affected with PDGFRA-related conditions. ClinVar contains an entry for this variant (Variation ID: 528542). Invitae Evidence Modeling of protein sequence and biophysical properties (such as structural, functional, and spatial information, amino acid conservation, physicochemical variation, residue mobility, and thermodynamic stability) indicates that this missense variant is not expected to disrupt PDGFRA protein function with a negative predictive value of 80%. In summary, the available evidence is currently insufficient to determine the role of this variant in disease. Therefore, it has been classified as a Variant of Uncertain Significance.